The following is an entry in ClinVar:

ClinVar aggregate classification (germline): Uncertain significance (1 of 4 stars; one submission).

Allele frequency attached by ClinVar (database versions not stated): TOPMed 0.00014; gnomAD 0.00017 and 0.00019; gnomAD exomes 0.00024; ExAC 0.00067.

Submission:

Labcorp Genetics (formerly Invitae), Labcorp
Classification: Uncertain significance. Last evaluated: 2025-10-02. Review status: criteria provided, single submitter. Criteria: Invitae Variant Classification Sherloc (09022015). Collection method: clinical testing. Allele origin: germline.
Comment: This sequence change replaces arginine, which is basic and polar, with glutamine, which is neutral and polar, at codon 276 of the ABCB6 protein (p.Arg276Gln). This variant is present in population databases (rs200125320, gnomAD 0.06%), and has an allele count higher than expected for a pathogenic variant. This missense change has been observed in individual(s) with Lan(-) blood type (PMID: 25360778). ClinVar contains an entry for this variant (Variation ID: 1404017). An algorithm developed to predict the effect of missense changes on protein structure and function (PolyPhen-2) suggests that this variant is likely to be disruptive. In summary, the available evidence is currently insufficient to determine the role of this variant in disease. Therefore, it has been classified as a Variant of Uncertain Significance.

Literature cited by the submitters: PubMed 25360778.

NM_005689.4(ABCB6):c.827G>A (p.Arg276Gln)

Gene: ABCB6 (ATP binding cassette subfamily B member 6 (LAN blood group); minus strand). Cytogenetic location: 2q35.
Variant type: single nucleotide variant.
Coding change: c.827G>A on transcript NM_005689.4 (MANE Select); coding-DNA position 827, G replaced by A.
Protein change: p.Arg276Gln; replaces arginine 276 with glutamine.
Molecular consequence: missense variant.
Genome position (GRCh38, 1-based): chr2:219,216,693, C>T on the plus strand (G>A on the coding strand, the complement: ABCB6 is on the minus strand). VCF-style: chr2-219216693-C-T. GRCh37 (hg19) VCF-style: chr2-220081415-C-T.
Other names: c.689G>A, p.Arg230Gln (NM_001349828.2); short protein forms R230Q, R276Q.
Identifiers: ClinVar variation 1404017 (VCV001404017.8), dbSNP rs200125320, ClinGen allele CA2119635.